The following is an entry in ClinVar:

Conditions:
Breast-ovarian cancer, familial, susceptibility to, 1 (BROVCA1). Also called: BRCA1 Hereditary Breast and Ovarian Cancer; OVARIAN CANCER, SUSCEPTIBILITY TO. Identifiers: Orphanet 145, MedGen C2676676, MONDO:0011450, OMIM 604370. Disease mechanism: loss of function.

Submission:

Brotman Baty Institute, University of Washington
No classification provided (evidence only). Condition: Breast-ovarian cancer, familial 1. Review status: no classification provided. Collection method: in vitro. Allele origin: not applicable. Functional consequence: function_uncertain_variant.
ClinVar note: "not provided" was previously submitted as the classification for the variant. However, the classification appeared to be based only on an observation of functional data so it was converted to no classification on 2025-07-30.

NM_007294.4(BRCA1):c.5069A>C (p.Lys1690Thr)

Gene: BRCA1 (BRCA1 DNA repair associated; minus strand). Cytogenetic location: 17q21.31.
Variant type: single nucleotide variant.
Coding change: c.5069A>C on transcript NM_007294.4 (MANE Select); coding-DNA position 5069, A replaced by C.
Protein change: p.Lys1690Thr; replaces lysine 1690 with threonine.
Molecular consequence: missense variant. On other transcripts: non-coding transcript variant (1).
Genome position (GRCh38, 1-based): chr17:43,067,613, T>G on the plus strand (A>C on the coding strand, the complement: BRCA1 is on the minus strand). VCF-style: chr17-43067613-T-G. GRCh37 (hg19) VCF-style: chr17-41219630-T-G.
Other names: c.4856A>C, p.Lys1619Thr (NM_001407571.1, NM_001407898.1, NM_001407899.1 and 12 more transcripts); c.5135A>C, p.Lys1712Thr (NM_001407581.1, NM_001407582.1); c.5132A>C, p.Lys1711Thr (NM_001407583.1, NM_001407585.1, NM_001407587.1 and 1 more transcripts); c.5129A>C, p.Lys1710Thr (NM_001407590.1, NM_001407591.1); c.5069A>C, p.Lys1690Thr (NM_001407593.1, NM_001407594.1, NM_001407596.1 and 8 more transcripts); c.5066A>C, p.Lys1689Thr (NM_001407610.1, NM_001407611.1, NM_001407612.1 and 17 more transcripts); c.5063A>C, p.Lys1688Thr (NM_001407627.1, NM_001407628.1, NM_001407629.1 and 14 more transcripts); c.5054A>C, p.Lys1685Thr (NM_001407647.1); and 70 more; short protein forms K1643T, K586T, K1711T, K1690T, K1393T, K1563T, K1577T, K1663T.
Identifiers: ClinVar variation 868585 (VCV000868585.3), dbSNP rs2052157455, ClinGen allele CA10591383.